The following is an entry in ClinVar:

NM_014324.6(AMACR):c.789T>C (p.Asp263=)

Genes: AMACR (alpha-methylacyl-CoA racemase; minus strand), C1QTNF3-AMACR (C1QTNF3-AMACR readthrough (NMD candidate); minus strand). Cytogenetic location: 5p13.2.
Variant type: single nucleotide variant.
Coding change: c.789T>C on transcript NM_014324.6 (MANE Select); coding-DNA position 789, T replaced by C.
Protein change: p.Asp263=; no amino-acid change (aspartic acid 263 retained).
Molecular consequence: synonymous variant. On other transcripts: non-coding transcript variant (1), 3 prime UTR variant (1).
Genome position (GRCh38, 1-based): chr5:33,989,453, A>G on the plus strand (T>C on the coding strand, the complement: AMACR is on the minus strand). VCF-style: chr5-33989453-A-G. GRCh37 (hg19) VCF-style: chr5-33989558-A-G.
Other names: c.789T>C (NM_014324.5); c.789T>C, p.Asp263= (NM_001167595.2); c.*31T>C (NM_203382.3).
Identifiers: ClinVar variation 1656454 (VCV001656454.10), dbSNP rs896470099, ClinGen allele CA116908414.
Genomic context (GRCh38, chr5:33,989,453, plus strand): 5'-CCACTCTGCCTTCGTCTTCTCTGCAAATACATCTGCAAACTTCTTCTTCATTTCTGGCCA[A>G]TCATCCATGCTCATCTGATTGGGAAGTTCATCAGACTTTAGTCCAAGTCCTGAGGAAAAA-3'
Protein context (NP_055139.4, residues 253-273): DELPNQMSMD[Asp263=]WPEMKKKFAD

ClinVar aggregate classification (germline): Likely benign. Review status: criteria provided, multiple submitters, no conflicts (2 of 4 stars). 3 submissions from 3 submitters: Likely benign (2). 1 of the submissions does not count toward it. Last evaluated 2025-09-08.

Conditions:
Alpha-methylacyl-CoA racemase deficiency (AMACRD). Also called: AMACR deficiency. Identifiers: Orphanet 79095, MedGen C3280428, MONDO:0013681, OMIM 614307. Disease mechanism: loss of function.
AMACR-related disorder. Also called: AMACR-Related Disorders; AMACR-related condition.

Allele frequency attached by ClinVar (database versions not stated): gnomAD exomes below 0.00001; TOPMed 0.00002.
gnomAD v4.1: 4 of 1,614,168 alleles (0.00025%); highest among the groups gnomAD compares: Non-Finnish European, 0.00034%; no homozygotes.

Submissions (3):

Labcorp Genetics (formerly Invitae), Labcorp
Classification: Likely benign for Alpha-methylacyl-CoA racemase deficiency. Last evaluated: 2025-09-08. Review status: criteria provided, single submitter. Criteria: Invitae Variant Classification Sherloc (09022015). Collection method: clinical testing. Allele origin: germline.

Blueprint Genetics
Classification: Likely benign. Last evaluated: 2024-03-01. Review status: criteria provided, single submitter. Criteria: ACMG Guidelines, 2015. Collection method: clinical testing. Allele origin: germline.

PreventionGenetics, part of Exact Sciences
Classification: Likely benign for AMACR-related condition. Last evaluated: 2024-08-25. Review status: no assertion criteria provided. Collection method: clinical testing. Allele origin: germline. Not counted in ClinVar's aggregate classification.
Comment: This variant is classified as likely benign based on ACMG/AMP sequence variant interpretation guidelines (Richards et al. 2015 PMID: 25741868, with internal and published modifications).